The following is an entry in ClinVar:

NM_006904.7(PRKDC):c.902G>A (p.Cys301Tyr)

Gene: PRKDC (protein kinase, DNA-activated, catalytic subunit; minus strand). Cytogenetic location: 8q11.21.
Variant type: single nucleotide variant.
Coding change: c.902G>A on transcript NM_006904.7 (MANE Select); coding-DNA position 902, G replaced by A.
Protein change: p.Cys301Tyr; replaces cysteine 301 with tyrosine.
Molecular consequence: missense variant.
Genome position (GRCh38, 1-based): chr8:47,943,273, C>T on the plus strand (G>A on the coding strand, the complement: PRKDC is on the minus strand). VCF-style: chr8-47943273-C-T. GRCh37 (hg19) VCF-style: chr8-48855833-C-T.
Other names: c.902G>A, p.Cys301Tyr (NM_001081640.2); short protein forms C301Y.
Identifiers: ClinVar variation 3425373 (VCV003425373.1).
Genomic context (GRCh38, chr8:47,943,273, plus strand): 5'-TTCAGAAAGGATTCCAGGGCTGAAAGTGCAGCTTTTTTCAATTCTACATTTGTGTGGGCA[C>T]ACCACTTTAACAAGACTTCAAATAGAGACACGTAGTTGTCCAGAAGGCAGGTGCTAAACT-3'
Protein context (NP_008835.5, residues 291-311): VSLFEVLLKW[Cys301Tyr]AHTNVELKKA

ClinVar aggregate classification (germline): Uncertain significance (1 of 4 stars; one submission).

gnomAD v4.1: 2 of 1,612,978 alleles (0.00012%); highest among the groups gnomAD compares: Non-Finnish European, 0.00017%; no homozygotes.

Submission:

Ambry Genetics
Classification: Uncertain significance. Last evaluated: 2024-10-25. Review status: criteria provided, single submitter. Criteria: Ambry Variant Classification Scheme 2023. Collection method: clinical testing. Allele origin: germline.
Comment: The p.C301Y variant (also known as c.902G>A), located in coding exon 10 of the PRKDC gene, results from a G to A substitution at nucleotide position 902. The cysteine at codon 301 is replaced by tyrosine, an amino acid with highly dissimilar properties. This amino acid position is conserved. In addition, the in silico prediction for this alteration is inconclusive. Based on the available evidence, the clinical significance of this variant remains unclear.